The following is an entry in ClinVar:

NM_000284.4(PDHA1):c.-98C>T

Gene: PDHA1 (pyruvate dehydrogenase E1 subunit alpha 1; plus strand). Cytogenetic location: Xp22.12.
Variant type: single nucleotide variant.
Coding change: c.-98C>T on transcript NM_000284.4 (MANE Select); 98 bases upstream of the start codon, C replaced by T.
Molecular consequence: 5 prime UTR variant.
Genome position (GRCh38, 1-based): chrX:19,343,940, C>T. VCF-style: chrX-19343940-C-T. GRCh37 (hg19) VCF-style: chrX-19362058-C-T.
Other names: c.-98C>T (NM_001173454.2, NM_001173455.2, NM_001173456.2).
Identifiers: ClinVar variation 914924 (VCV000914924.4), dbSNP rs192773464, ClinGen allele CA327020307.

ClinVar aggregate classification (germline): Benign (1 of 4 stars; one submission).

Conditions:
Pyruvate dehydrogenase E1-alpha deficiency (PDHAD). Also called: Ataxia, intermittent, with pyruvate dehydrogenase, or decarboxylase, deficiency; ATAXIA, INTERMITTENT, WITH PYRUVATE DEHYDROGENASE DEFICIENCY; ATAXIA WITH LACTIC ACIDOSIS I; ATAXIA, INTERMITTENT, WITH ABNORMAL PYRUVATE METABOLISM. Identifiers: Orphanet 79243, MedGen C1839413, MONDO:0010717, OMIM 312170.

Allele frequency attached by ClinVar (database versions not stated): 1000 Genomes Project 0.00159; 1000 Genomes Project 30x 0.00166; gnomAD 0.00177 and 0.00187; TOPMed 0.00197; gnomAD exomes 0.00229.
gnomAD v4.1: 1,702 of 769,819 alleles (0.22%); highest among the groups gnomAD compares: Non-Finnish European, 0.28%; 3 homozygotes.

Submission:

Illumina Laboratory Services, Illumina
Classification: Benign for Pyruvate dehydrogenase E1-alpha deficiency. Last evaluated: 2018-01-12. Review status: criteria provided, single submitter. Criteria: ICSL Variant Classification Criteria 13 December 2019. Collection method: clinical testing. Allele origin: germline.
Comment: This variant was observed in the ICSL laboratory as part of a predisposition screen in an ostensibly healthy population. It had not been previously curated by ICSL or reported in the Human Gene Mutation Database (HGMD: prior to June 1st, 2018), and was therefore a candidate for classification through an automated scoring system. Utilizing variant allele frequency, disease prevalence and penetrance estimates, and inheritance mode, an automated score was calculated to assess if this variant is too frequent to cause the disease. Based on the score and internal cut-off values, a variant classified as benign is not then subjected to further curation. The score for this variant resulted in a classification of benign for this disease.